The following is an entry in ClinVar:

ClinVar aggregate classification (germline): Uncertain significance (1 of 4 stars; one submission).

Submission:

Labcorp Genetics (formerly Invitae), Labcorp
Classification: Uncertain significance. Last evaluated: 2023-11-29. Review status: criteria provided, single submitter. Criteria: Invitae Variant Classification Sherloc (09022015). Collection method: clinical testing. Allele origin: germline.
Comment: This sequence change replaces proline, which is neutral and non-polar, with leucine, which is neutral and non-polar, at codon 1378 of the RP1 protein (p.Pro1378Leu). This variant is not present in population databases (gnomAD no frequency). This variant has not been reported in the literature in individuals affected with RP1-related conditions. Algorithms developed to predict the effect of missense changes on protein structure and function output the following: SIFT: "Not Available"; PolyPhen-2: "Benign"; Align-GVGD: "Not Available". The leucine amino acid residue is found in multiple mammalian species, which suggests that this missense change does not adversely affect protein function. In summary, the available evidence is currently insufficient to determine the role of this variant in disease. Therefore, it has been classified as a Variant of Uncertain Significance.

NM_006269.2(RP1):c.4133C>T (p.Pro1378Leu)

Gene: RP1 (RP1 axonemal microtubule associated; plus strand). Cytogenetic location: 8q12.1.
Variant type: single nucleotide variant.
Coding change: c.4133C>T on transcript NM_006269.2 (MANE Select); coding-DNA position 4133, C replaced by T.
Protein change: p.Pro1378Leu; replaces proline 1378 with leucine.
Molecular consequence: missense variant. On other transcripts: intron variant (1).
Genome position (GRCh38, 1-based): chr8:54,628,015, C>T. VCF-style: chr8-54628015-C-T. GRCh37 (hg19) VCF-style: chr8-55540575-C-T.
Other names: c.787+5727C>T (NM_001375654.1); short protein forms P1378L.
Identifiers: ClinVar variation 2699767 (VCV002699767.3), dbSNP rs2536582913, ClinGen allele CA370981340.